The following is an entry in ClinVar:

NM_001130987.2(DYSF):c.2566-9G>A

Gene: DYSF (dysferlin; plus strand). Cytogenetic location: 2p13.2.
Variant type: single nucleotide variant.
Coding change: c.2566-9G>A on transcript NM_001130987.2 (MANE Select); 9 bases into the intron before coding-DNA position 2566, G replaced by A.
Molecular consequence: intron variant.
Genome position (GRCh38, 1-based): chr2:71,567,942, G>A. VCF-style: chr2-71567942-G-A. GRCh37 (hg19) VCF-style: chr2-71795072-G-A.
Other names: c.2605-9G>A (NM_001130979.2); c.2563-9G>A (NM_001130981.2, NM_001130980.2); c.2512-9G>A (NM_001130978.2, NM_003494.4); c.2470-9G>A (NM_001130977.2, NM_001130976.2); c.2608-9G>A (NM_001130982.2); c.2566-9G>A (NM_001130985.2); c.2515-9G>A (NM_001130983.2, NM_001130455.2); c.2473-9G>A (NM_001130984.2, NM_001130986.2).
Identifiers: ClinVar variation 4702021 (VCV004702021.1).

ClinVar aggregate classification (germline): Uncertain significance (1 of 4 stars; one submission).

Conditions:
Neuromuscular disease caused by qualitative or quantitative defects of dysferlin. Also called: Dysferlinopathy; Qualitative or quantitative defects of dysferlin. Identifiers: Orphanet 207073, MedGen C2931687, MONDO:0016145.

gnomAD v4.1: 2 of 1,613,934 alleles (0.00012%); highest among the groups gnomAD compares: South Asian, 0.0011%; no homozygotes.

Submission:

Labcorp Genetics (formerly Invitae), Labcorp
Classification: Uncertain significance for Neuromuscular disease caused by qualitative or quantitative defects of dysferlin. Last evaluated: 2025-08-20. Review status: criteria provided, single submitter. Criteria: Invitae Variant Classification Sherloc (09022015). Collection method: clinical testing. Allele origin: germline.
Comment: This sequence change falls in intron 24 of the DYSF gene. It does not directly change the encoded amino acid sequence of the DYSF protein. This variant is present in population databases (no rsID available, gnomAD 0.007%). This variant has not been reported in the literature in individuals affected with DYSF-related conditions. Algorithms developed to predict the effect of sequence changes on RNA splicing suggest that this variant may disrupt the consensus splice site. In summary, the available evidence is currently insufficient to determine the role of this variant in disease. Therefore, it has been classified as a Variant of Uncertain Significance.